The following is an entry in ClinVar:

NM_001080421.3(UNC13A):c.892C>T (p.Arg298Trp)

Gene: UNC13A (unc-13 homolog A; minus strand). Cytogenetic location: 19p13.11.
Variant type: single nucleotide variant.
Coding change: c.892C>T on transcript NM_001080421.3 (MANE Select); coding-DNA position 892, C replaced by T.
Protein change: p.Arg298Trp; replaces arginine 298 with tryptophan.
Molecular consequence: missense variant.
Genome position (GRCh38, 1-based): chr19:17,656,274, G>A on the plus strand (C>T on the coding strand, the complement: UNC13A is on the minus strand). VCF-style: chr19-17656274-G-A. GRCh37 (hg19) VCF-style: chr19-17767083-G-A.
Other names: p.Arg298Trp; c.892C>T, p.Arg298Trp (NM_001387021.1, NM_001387022.1, NM_001387023.1); short protein forms R298W.
Identifiers: ClinVar variation 2634041 (VCV002634041.4), dbSNP rs201739401, ClinGen allele CA9298638.

ClinVar aggregate classification (germline): Uncertain significance. Review status: criteria provided, multiple submitters, no conflicts (2 of 4 stars). 3 submissions from 3 submitters: Uncertain significance (2). 1 of the submissions does not count toward it. Last evaluated 2026-08-01.

Conditions:
UNC13A-related disorder. Also called: UNC13A-related condition.

Allele frequency attached by ClinVar (database versions not stated): ESP Exome Variant Server 0.00025; TOPMed 0.00027; gnomAD 0.00028; ExAC 0.00045.
gnomAD v4.1: 390 of 1,551,788 alleles (0.025%); highest among the groups gnomAD compares: Non-Finnish European, 0.029%; 1 homozygote.

Submissions (3):

CeGaT Center for Human Genetics Tuebingen
Classification: Uncertain significance. Last evaluated: 2026-08-01. Review status: criteria provided, single submitter. Criteria: CeGaT Center For Human Genetics Tuebingen Variant Classification Criteria Version 2. Collection method: clinical testing. Allele origin: germline. Affected: yes. Observed: 1 variant allele.

Mayo Clinic Laboratories, Mayo Clinic
Classification: Uncertain significance. Last evaluated: 2023-10-09. Review status: criteria provided, single submitter. Criteria: ACMG Guidelines, 2015. Collection method: clinical testing. Allele origin: germline. Observed: 1 variant allele.

PreventionGenetics, part of Exact Sciences
Classification: Uncertain significance for UNC13A-related condition. Last evaluated: 2024-03-19. Review status: no assertion criteria provided. Collection method: clinical testing. Allele origin: germline. Not counted in ClinVar's aggregate classification.
Comment: The UNC13A c.892C>T variant is predicted to result in the amino acid substitution p.Arg298Trp. This variant was reported in an individual with amyotrophic lateral sclerosis; however, this individual also harbored a causative SOD1 p.Ala90Val variant (Kuuluvainen et al. 2019. PubMed ID: 31086828). This variant is reported in 0.064% of alleles in individuals of European (Non-Finnish) descent in gnomAD. Although we suspect that this variant may be benign, at this time, the clinical significance of this variant is uncertain due to the absence of conclusive functional and genetic evidence.

Literature cited by the submitters: PubMed 31086828 (cited by Mayo Clinic Laboratories, Mayo Clinic).